The following is an entry in ClinVar:

ClinVar aggregate classification (germline): Uncertain significance (1 of 4 stars; one submission).

Allele frequency attached by ClinVar (database versions not stated): gnomAD exomes below 0.00001 and 0.00001; TOPMed below 0.00001.
gnomAD v4.1: 6 of 1,610,982 alleles (0.00037%); highest among the groups gnomAD compares: Admixed American, 0.0051%; no homozygotes.

Submission:

Labcorp Genetics (formerly Invitae), Labcorp
Classification: Uncertain significance. Last evaluated: 2024-01-25. Review status: criteria provided, single submitter. Criteria: Invitae Variant Classification Sherloc (09022015). Collection method: clinical testing. Allele origin: germline.
Comment: This sequence change replaces isoleucine, which is neutral and non-polar, with valine, which is neutral and non-polar, at codon 589 of the GATAD2B protein (p.Ile589Val). This variant is present in population databases (no rsID available, gnomAD 0.003%). This variant has not been reported in the literature in individuals affected with GATAD2B-related conditions. ClinVar contains an entry for this variant (Variation ID: 1345202). Advanced modeling of protein sequence and biophysical properties (such as structural, functional, and spatial information, amino acid conservation, physicochemical variation, residue mobility, and thermodynamic stability) performed at Invitae indicates that this missense variant is expected to disrupt GATAD2B protein function with a positive predictive value of 80%. In summary, the available evidence is currently insufficient to determine the role of this variant in disease. Therefore, it has been classified as a Variant of Uncertain Significance.

NM_020699.4(GATAD2B):c.1765A>G (p.Ile589Val)

Gene: GATAD2B (GATA zinc finger domain containing 2B; minus strand). Cytogenetic location: 1q21.3.
Variant type: single nucleotide variant.
Coding change: c.1765A>G on transcript NM_020699.4 (MANE Select); coding-DNA position 1765, A replaced by G.
Protein change: p.Ile589Val; replaces isoleucine 589 with valine.
Molecular consequence: missense variant.
Genome position (GRCh38, 1-based): chr1:153,810,194, T>C on the plus strand (A>G on the coding strand, the complement: GATAD2B is on the minus strand). VCF-style: chr1-153810194-T-C. GRCh37 (hg19) VCF-style: chr1-153782670-T-C.
Other names: short protein forms I589V.
Identifiers: ClinVar variation 1345202 (VCV001345202.6), dbSNP rs878916634, ClinGen allele CA30753601.